The following is an entry in ClinVar:

NM_005632.3(CAPN15):c.1950G>A (p.Thr650=)

Gene: CAPN15 (calpain 15; plus strand). Cytogenetic location: 16p13.3.
Variant type: single nucleotide variant.
Coding change: c.1950G>A on transcript NM_005632.3 (MANE Select); coding-DNA position 1950, G replaced by A.
Protein change: p.Thr650=; no amino-acid change (threonine 650 retained).
Molecular consequence: synonymous variant.
Genome position (GRCh38, 1-based): chr16:549,722, G>A. VCF-style: chr16-549722-G-A. GRCh37 (hg19) VCF-style: chr16-599722-G-A.
Identifiers: ClinVar variation 3050121 (VCV003050121.2), dbSNP rs754630964, ClinGen allele CA7778513.

ClinVar aggregate classification (germline): Likely benign (0 of 4 stars; one submission).

Conditions:
CAPN15-related disorder. Also called: CAPN15-related condition.

Allele frequency attached by ClinVar (database versions not stated): TOPMed 0.00003; gnomAD 0.00004; ExAC 0.00008.
gnomAD v4.1: 80 of 1,575,988 alleles (0.0051%); highest among the groups gnomAD compares: Middle Eastern, 0.034%; no homozygotes.

Submission:

PreventionGenetics, part of Exact Sciences
Classification: Likely benign for CAPN15-related condition. Last evaluated: 2019-07-22. Review status: no assertion criteria provided. Collection method: clinical testing. Allele origin: germline.
Comment: This variant is classified as likely benign based on ACMG/AMP sequence variant interpretation guidelines (Richards et al. 2015 PMID: 25741868, with internal and published modifications).